The following is an entry in ClinVar:

NM_000540.3(RYR1):c.14070G>A (p.Thr4690=)

Gene: RYR1 (ryanodine receptor 1; plus strand). Cytogenetic location: 19q13.2.
Variant type: single nucleotide variant.
Coding change: c.14070G>A on transcript NM_000540.3 (MANE Select); coding-DNA position 14070, G replaced by A.
Protein change: p.Thr4690=; no amino-acid change (threonine 4690 retained).
Molecular consequence: synonymous variant.
Genome position (GRCh38, 1-based): chr19:38,573,248, G>A. VCF-style: chr19-38573248-G-A. GRCh37 (hg19) VCF-style: chr19-39063888-G-A.
Other names: c.14055G>A, p.Thr4685= (NM_001042723.2).
Identifiers: ClinVar variation 478195 (VCV000478195.19), dbSNP rs113058779, ClinGen allele CA060795.

ClinVar aggregate classification (germline): Conflicting classifications of pathogenicity. Review status: criteria provided, conflicting classifications (1 of 4 stars). 7 submissions from 7 submitters: Uncertain significance (1); Benign (2); Likely benign (4). Last evaluated 2026-01-18.

Conditions:
RYR1-related disorder. Also called: RYR1-related condition; RYR1-related disorders. Identifiers: MedGen CN239331.
Congenital multicore myopathy with external ophthalmoplegia (CMYO1B). Also called: MULTICORE MYOPATHY; Minicore myopathy with external ophthalmoplegia; Congenital myopathy 1B, autosomal recessive; Minicore myopathy; MULTIMINICORE DISEASE WITH EXTERNAL OPHTHALMOPLEGIA. Identifiers: Orphanet 598, Orphanet 98905, MedGen C1850674, MONDO:0009712, OMIM 255320, HP:0003789.
Malignant hyperthermia, susceptibility to, 1 (MHS1). Also called: RYR1-Related Malignant Hyperthermia Susceptibility; Malignant hyperthermia suceptibility 1; Anesthesia related hyperthermia; Malignant hyperpyrexia; Fulminating hyperpyrexia; Pharmacogenic myopathy. Identifiers: Orphanet 423, MedGen C2930980, MONDO:0007783, OMIM 145600.
Congenital myopathy with fiber type disproportion. Also called: Congenital fiber-type disproportion myopathy; Congenital fiber-type disproportion. Identifiers: Orphanet 2020, MedGen C0546264, MONDO:0009711. Inheritance: all.
Central core myopathy (CMYO1A). Also called: CONGENITAL MYOPATHY 1A, AUTOSOMAL DOMINANT, WITH SUSCEPTIBILITY TO MALIGNANT HYPERTHERMIA; Central core disease; Myopathy, central fibrillar. Identifiers: Orphanet 597, MedGen C5830701, MONDO:0007294, OMIM 117000.
King Denborough syndrome (KDS). Identifiers: MedGen C1840365, MONDO:0020485, OMIM 619542.

Allele frequency attached by ClinVar (database versions not stated): 1000 Genomes Project 0.00020; ESP Exome Variant Server 0.00038; gnomAD 0.00056 and 0.00057; TOPMed 0.00058; gnomAD exomes 0.00006 and 0.00012; ExAC 0.00011; 1000 Genomes Project 30x 0.00016.
gnomAD v4.1: 182 of 1,614,018 alleles (0.011%); highest among the groups gnomAD compares: African/African-American, 0.19%; no homozygotes.

Submissions (7):

Labcorp Genetics (formerly Invitae), Labcorp
Classification: Likely benign for RYR1-related disorder. Last evaluated: 2026-01-18. Review status: criteria provided, single submitter. Criteria: Invitae Variant Classification Sherloc (09022015). Collection method: clinical testing. Allele origin: germline.

PreventionGenetics, part of Exact Sciences
Classification: Likely benign for RYR1-related condition. Last evaluated: 2025-12-29. Review status: criteria provided, single submitter. Criteria: ACMG Guidelines, 2015. Collection method: clinical testing. Allele origin: germline.
Comment: This variant is classified as likely benign based on ACMG/AMP sequence variant interpretation guidelines (Richards et al. 2015 PMID: 25741868, with internal and published modifications).

All of Us Research Program, National Institutes of Health
Classification: Benign for Malignant hyperthermia, susceptibility to, 1. Last evaluated: 2024-02-05. Review status: criteria provided, single submitter. Criteria: ACMG Guidelines, 2015. Collection method: clinical testing. Allele origin: germline. Inheritance: Autosomal dominant inheritance. Observed: 29 variant alleles, 29 heterozygotes.
Comment: This study involves interpretation of variants in research participants for the purpose of population health screening. Participant phenotype was not available at the time of variant classification. Additional details can be found in publication PMID: 35346344, PMCID: PMC8962531

Color Diagnostics, LLC DBA Color Health
Classification: Benign for Malignant hyperthermia, susceptibility to, 1. Last evaluated: 2022-10-17. Review status: criteria provided, single submitter. Criteria: ACMG Guidelines, 2015. Collection method: clinical testing. Allele origin: germline.

Fulgent Genetics
Classification: Likely benign for Central core myopathy; Malignant hyperthermia, susceptibility to, 1; Congenital myopathy 4A, autosomal dominant; Congenital multicore myopathy with external ophthalmoplegia; King Denborough syndrome. Last evaluated: 2021-07-28. Review status: criteria provided, single submitter. Criteria: ACMG Guidelines, 2015. Collection method: clinical testing. Allele origin: unknown.

GeneDx
Classification: Likely benign. Last evaluated: 2020-01-20. Review status: criteria provided, single submitter. Criteria: GeneDx Variant Classification Process June 2021. Collection method: clinical testing. Allele origin: germline. Affected: yes.

Revvity Omics, Revvity
Classification: Uncertain significance. Last evaluated: 2019-08-16. Review status: criteria provided, single submitter. Criteria: ACMG Guidelines, 2015. Collection method: clinical testing. Allele origin: germline.